The following is an entry in ClinVar:

NM_024417.5(FDXR):c.1328C>A (p.Ala443Asp)

Gene: FDXR (ferredoxin reductase; minus strand). Cytogenetic location: 17q25.1.
Variant type: single nucleotide variant.
Coding change: c.1328C>A on transcript NM_024417.5 (MANE Select); coding-DNA position 1328, C replaced by A.
Protein change: p.Ala443Asp; replaces alanine 443 with aspartic acid.
Molecular consequence: missense variant. On other transcripts: non-coding transcript variant (1).
Genome position (GRCh38, 1-based): chr17:74,863,093, G>T on the plus strand (C>A on the coding strand, the complement: FDXR is on the minus strand). VCF-style: chr17-74863093-G-T. GRCh37 (hg19) VCF-style: chr17-72859215-G-T.
Other names: c.1457C>A, p.Ala486Asp (NM_001258012.4); c.1421C>A, p.Ala474Asp (NM_001258013.4); c.1304C>A, p.Ala435Asp (NM_001258014.4); c.1208C>A, p.Ala403Asp (NM_001258015.3); c.1172C>A, p.Ala391Asp (NM_001258016.3); c.1346C>A, p.Ala449Asp (NM_004110.6); short protein forms A391D, A403D, A435D, A443D, A449D, A474D, A486D.
Identifiers: ClinVar variation 2573838 (VCV002573838.1), dbSNP rs1181569527, ClinGen allele CA400966523.
Genomic context (GRCh38, chr17:74,863,093, plus strand): 5'-CCACCCACCCCACCTCCCAGGACCTCAGCATCGGGGCCCAGACCTCGGCTGCTGAGCAGG[G>T]CCTGGATGGCTGCGTAGCCAGGCCTGGGGCCAGAGGGGAGCAACCCAGCCTTCAGGTCCT-3'
Protein context (NP_077728.3, residues 433-453): GPRPGYAAIQ[Ala443Asp]LLSSRGVRPV

ClinVar aggregate classification (germline): Uncertain significance (1 of 4 stars; one submission).

Allele frequency attached by ClinVar (database versions not stated): gnomAD 0.00001.

Submission:

GeneDx
Classification: Uncertain significance. Last evaluated: 2023-01-21. Review status: criteria provided, single submitter. Criteria: GeneDx Variant Classification Process June 2021. Collection method: clinical testing. Allele origin: germline. Affected: yes.
Comment: In silico analysis supports that this missense variant does not alter protein structure/function; Has not been previously published as pathogenic or benign to our knowledge